The following is an entry in ClinVar:

NM_007294.4(BRCA1):c.4420G>A (p.Ala1474Thr)

Gene: BRCA1 (BRCA1 DNA repair associated; minus strand). Cytogenetic location: 17q21.31.
Variant type: single nucleotide variant.
Coding change: c.4420G>A on transcript NM_007294.4 (MANE Select); coding-DNA position 4420, G replaced by A.
Protein change: p.Ala1474Thr; replaces alanine 1474 with threonine.
Molecular consequence: missense variant. On other transcripts: non-coding transcript variant (1).
Genome position (GRCh38, 1-based): chr17:43,076,552, C>T on the plus strand (G>A on the coding strand, the complement: BRCA1 is on the minus strand). VCF-style: chr17-43076552-C-T. GRCh37 (hg19) VCF-style: chr17-41228569-C-T.
Other names: c.4294G>A, p.Ala1432Thr (NM_001407940.1, NM_001407863.1, NM_001407939.1 and 11 more transcripts); c.4291G>A, p.Ala1431Thr (NM_001407941.1, NM_001407681.1, NM_001407682.1 and 6 more transcripts); c.4279G>A, p.Ala1427Thr (NM_001407942.1, NM_007297.4, NM_001407692.1 and 13 more transcripts); c.4087G>A, p.Ala1363Thr (NM_001407948.1, NM_001407949.1, NM_001407946.1 and 1 more transcripts); c.4276G>A, p.Ala1426Thr (NM_001407945.1, NM_001407944.1, NM_001407943.1 and 21 more transcripts); c.4273G>A, p.Ala1425Thr (NM_001407838.1, NM_001407839.1, NM_001407841.1 and 12 more transcripts); c.4420G>A, p.Ala1474Thr (NM_001407854.1, NM_001407593.1, NM_001407594.1 and 8 more transcripts); c.4417G>A, p.Ala1473Thr (NM_001407858.1, NM_001407859.1, NM_001407860.1 and 17 more transcripts); and 68 more; short protein forms A1474T, A1427T, A370T, A1495T, A1345T, A1347T, A1362T, A1403T.
Identifiers: ClinVar variation 481446 (VCV000481446.16), dbSNP rs1555582616, ClinGen allele CA10592699.

ClinVar aggregate classification (germline): Uncertain significance. Review status: criteria provided, multiple submitters, no conflicts (2 of 4 stars). 2 submissions from 2 submitters: Uncertain significance (2). Last evaluated 2019-04-04.

Conditions:
Hereditary cancer-predisposing syndrome. Also called: Hereditary Cancer Syndrome; Neoplastic Syndromes, Hereditary; Tumor predisposition; Hereditary neoplastic syndrome. Identifiers: Orphanet 140162, MedGen C0027672, MeSH D009386, MONDO:0015356.
Hereditary breast ovarian cancer syndrome. Also called: Hereditary breast and ovarian cancer syndrome; Hereditary breast and ovarian cancer; Hereditary breast and ovarian cancer syndrome (HBOC); Breast and ovarian cancer; Hereditary breast and/or ovarian cancer syndrome; BRCA1- and BRCA2-Associated Hereditary Breast and Ovarian Cancer. Identifiers: Orphanet 145, MedGen C0677776, MeSH D061325, MONDO:0003582. Disease mechanism: loss of function.

Submissions (2):

Labcorp Genetics (formerly Invitae), Labcorp
Classification: Uncertain significance for Hereditary breast ovarian cancer syndrome. Last evaluated: 2019-04-04. Review status: criteria provided, single submitter. Criteria: Invitae Variant Classification Sherloc (09022015). Collection method: clinical testing. Allele origin: germline.
Comment: In summary, the available evidence is currently insufficient to determine the role of this variant in disease. Therefore, it has been classified as a Variant of Uncertain Significance. Algorithms developed to predict the effect of missense changes on protein structure and function output the following: SIFT: "Tolerated"; PolyPhen-2: "Benign"; Align-GVGD: "Class C0". The threonine amino acid residue is found in multiple mammalian species, suggesting that this missense change does not adversely affect protein function. These predictions have not been confirmed by published functional studies and their clinical significance is uncertain. This variant has not been reported in the literature in individuals with BRCA1-related conditions. ClinVar contains an entry for this variant (Variation ID: 481446). This variant is not present in population databases (ExAC no frequency). This sequence change replaces alanine with threonine at codon 1474 of the BRCA1 protein (p.Ala1474Thr). The alanine residue is moderately conserved and there is a small physicochemical difference between alanine and threonine.

Ambry Genetics
Classification: Uncertain significance for Hereditary cancer-predisposing syndrome. Last evaluated: 2016-06-07. Review status: criteria provided, single submitter. Criteria: Ambry Variant Classification Scheme 2023. Collection method: clinical testing. Allele origin: germline.
Comment: The p.A1474T variant (also known as c.4420G>A), located in coding exon 12 of the BRCA1 gene, results from a G to A substitution at nucleotide position 4420. The alanine at codon 1474 is replaced by threonine, an amino acid with similar properties. This variant was not reported in population based cohorts in the following databases: Database of Single Nucleotide Polymorphisms (dbSNP), NHLBI Exome Sequencing Project (ESP), and 1000 Genomes Project. In the ESP, this variant was not observed in 6502 samples (13004 alleles) with coverage at this position. To date, this alteration has been detected with an allele frequency of approximately 0.0003% (greater than 300000 alleles tested) in our clinical cohort. This amino acid position is not well conserved in available vertebrate species. In addition, the in silico prediction for this alteration is inconclusive. Since supporting evidence is limited at this time, the clinical significance of this alteration remains unclear.